The following is an entry in ClinVar:

NM_000166.6(GJB1):c.580A>C (p.Met194Leu)

Gene: GJB1 (gap junction protein beta 1; plus strand). Cytogenetic location: Xq13.1.
Variant type: single nucleotide variant.
Coding change: c.580A>C on transcript NM_000166.6 (MANE Select); coding-DNA position 580, A replaced by C.
Protein change: p.Met194Leu; replaces methionine 194 with leucine.
Molecular consequence: missense variant.
Genome position (GRCh38, 1-based): chrX:71,224,287, A>C. VCF-style: chrX-71224287-A-C. GRCh37 (hg19) VCF-style: chrX-70444137-A-C.
Other names: c.580A>C, p.Met194Leu (NM_001097642.3); short protein forms M194L.
Identifiers: ClinVar variation 2772502 (VCV002772502.3), dbSNP rs587777878, ClinGen allele CA413503222.

ClinVar aggregate classification (germline): Uncertain significance (1 of 4 stars; one submission).

Conditions:
Charcot-Marie-Tooth Neuropathy X. Identifiers: MedGen CN118851.

Submission:

Labcorp Genetics (formerly Invitae), Labcorp
Classification: Uncertain significance for Charcot-Marie-Tooth Neuropathy X. Last evaluated: 2024-06-19. Review status: criteria provided, single submitter. Criteria: Invitae Variant Classification Sherloc (09022015). Collection method: clinical testing. Allele origin: germline.
Comment: This sequence change replaces methionine, which is neutral and non-polar, with leucine, which is neutral and non-polar, at codon 194 of the GJB1 protein (p.Met194Leu). This variant is not present in population databases (gnomAD no frequency). This variant has not been reported in the literature in individuals affected with GJB1-related conditions. Advanced modeling of protein sequence and biophysical properties (such as structural, functional, and spatial information, amino acid conservation, physicochemical variation, residue mobility, and thermodynamic stability) performed at Invitae indicates that this missense variant is not expected to disrupt GJB1 protein function with a negative predictive value of 80%. This variant disrupts the p.Met194 amino acid residue in GJB1. Other variant(s) that disrupt this residue have been determined to be pathogenic (PMID: 9272161, 25802885). This suggests that this residue is clinically significant, and that variants that disrupt this residue are likely to be disease-causing. In summary, the available evidence is currently insufficient to determine the role of this variant in disease. Therefore, it has been classified as a Variant of Uncertain Significance.

Literature cited by the submitters: PubMed 9272161; PubMed 25802885.